The following is an entry in ClinVar:

ClinVar aggregate classification (germline): Uncertain significance (1 of 4 stars; one submission).

Conditions:
Left ventricular noncompaction 8 (LVNC8). Identifiers: Orphanet 154, Orphanet 54260, MedGen C3809288, MONDO:0014152, OMIM 615373.

Allele frequency attached by ClinVar (database versions not stated): ExAC 0.00001; gnomAD exomes 0.00001 and 0.00002.
gnomAD v4.1: 3 of 1,613,886 alleles (0.00019%); highest among the groups gnomAD compares: Admixed American, 0.005%; no homozygotes.

Submission:

Labcorp Genetics (formerly Invitae), Labcorp
Classification: Uncertain significance for Left ventricular noncompaction 8. Last evaluated: 2024-12-04. Review status: criteria provided, single submitter. Criteria: Invitae Variant Classification Sherloc (09022015). Collection method: clinical testing. Allele origin: germline.
Comment: This sequence change replaces threonine, which is neutral and polar, with alanine, which is neutral and non-polar, at codon 1224 of the PRDM16 protein (p.Thr1224Ala). This variant is present in population databases (rs751991022, gnomAD 0.009%). This variant has not been reported in the literature in individuals affected with PRDM16-related conditions. ClinVar contains an entry for this variant (Variation ID: 652787). An algorithm developed to predict the effect of missense changes on protein structure and function (PolyPhen-2) suggests that this variant is likely to be tolerated. In summary, the available evidence is currently insufficient to determine the role of this variant in disease. Therefore, it has been classified as a Variant of Uncertain Significance.

NM_022114.4(PRDM16):c.3670A>G (p.Thr1224Ala)

Gene: PRDM16 (PR/SET domain 16; plus strand). Cytogenetic location: 1p36.32.
Variant type: single nucleotide variant.
Coding change: c.3670A>G on transcript NM_022114.4 (MANE Select); coding-DNA position 3670, A replaced by G.
Protein change: p.Thr1224Ala; replaces threonine 1224 with alanine.
Molecular consequence: missense variant.
Genome position (GRCh38, 1-based): chr1:3,432,114, A>G. VCF-style: chr1-3432114-A-G. GRCh37 (hg19) VCF-style: chr1-3348678-A-G.
Other names: c.3670A>G, p.Thr1224Ala (NM_199454.3); short protein forms T1224A.
Identifiers: ClinVar variation 652787 (VCV000652787.8), dbSNP rs751991022, ClinGen allele CA544927.